The following continues an entry in ClinVar:

NM_007294.4(BRCA1):c.211A>G (p.Arg71Gly)

Gene: BRCA1. ClinVar aggregate classification (germline): Pathogenic. Pathogenic (1).

Submissions 6 to 14 of 38:

Molecular Diagnostics Laboratory, Catalan Institute of Oncology
Classification: Pathogenic for Hereditary cancer-predisposing syndrome. Last evaluated: 2025-02-12. Review status: criteria provided, single submitter. Criteria: ClinGen BRCA1BRCA2 ACMG Specifications BRCA1 V1.0.0. Collection method: clinical testing. Allele origin: germline. Not counted in ClinVar's aggregate classification.
Comment: PS3, PP3, PP4_VeryStrong c.211A>G, located in exon 4 (5 according BIC nomenclature) of the BRCA1 gene, is predicted to result in the substitution of arginine by glycine at codon 71, p.(Arg71Gly). However, the SpliceAI algorithm predicts that the variant impairs the splicing donor site of exon 4 (SpliceAI-DonorLoss score: 0.64); moreover, the BayesDel_noAF predictor score for this variant (0.866) suggests a deleterious effect on protein function (PP3). Internal RNA analysis corroborate that this missense change induces altered splicing and may result in an absent or disrupted protein product (r.191_212del; p.Cys64*). This variant is found in 1/266697 alleles at a frequency of 0.0004% in the gnomAD v2.1.1 database, non-cancer dataset. BRCA1 c.211A>G was reported by one calibrated study incorporating mRNA splicing effect to affect function similar to pathogenic control variants (PMID: 30209399) (PS3). Moreover, published clinical data for a multifactorial likelihood analysis (PMID: 31131967) showed a combined LR indicative of very strong evidence towards pathogenicity (LR 383.27), based on segregation (LR 383.27) (PP4_VeryStrong). In addition, the variant was also identified in the following databases: BRCA Exchange (Pathogenic: Class 5 based on posterior probability = 0.999388), ClinVar* (1x uncertain significance, 32x pathogenic) and LOVD (9x uncertain significance, 40x pathogenic). Based on the currently available information, c.211A>G is classified as a pathogenic variant according to ClinGen-BRCA1 Guidelines version v1.0.0.

Ambry Genetics
Classification: Pathogenic for Hereditary cancer-predisposing syndrome. Last evaluated: 2025-01-24. Review status: criteria provided, single submitter. Criteria: Ambry Variant Classification Scheme 2023. Collection method: clinical testing. Allele origin: germline. Not counted in ClinVar's aggregate classification.
Comment: The c.211A>G (p.R71G) alteration is located in exon 4 (coding exon 3) of the BRCA1 gene. This alteration results from a A to G substitution at nucleotide position 211, causing the arginine (R) at amino acid position 71 to be replaced by a glycine (G). Based on data from gnomAD, the G allele has an overall frequency of <0.001% (1/249744) total alleles studied. The highest observed frequency was 0.001% (1/113176) of European (non-Finnish) alleles. Also designated as 330A>G in some published literature, this mutation has been described as a founder mutation originating from the Galicia region of North Western Spain and has been reported in numerous breast and ovarian cancer patients and families (D&iacute;ez, 1999; Janaviius, 2010; Villarreal-Garza, 2015; Rebbeck, 2016; Alvarez, 2017; Yang, 2017; Cotrim, 2019). Additionally, this mutation has been described in five unrelated families and was observed to result in aberrant splicing (Ambry internal data; Sanz, 2010; Houdayer, 2012). This amino acid position is highly conserved in available vertebrate species. One functional study found that this nucleotide substitution is deleterious in a high throughput genome editing haploid cell survival assay (Findlay, 2018). In silico splice site analysis predicts that this alteration will weaken the native splice donor site. Based on the available evidence, this alteration is classified as pathogenic.

All of Us Research Program, National Institutes of Health
Classification: Pathogenic for BRCA1-related cancer predisposition. Last evaluated: 2024-07-10. Review status: criteria provided, single submitter. Criteria: ACMG Guidelines, 2015. Collection method: clinical testing. Allele origin: germline. Inheritance: Autosomal dominant inheritance. Observed: 1 variant allele, 1 heterozygote. Not counted in ClinVar's aggregate classification.
Comment: This variant is located in exon 4 near the intron 4 splice donor site. RNA analyses have shown that this variant results in out-of-frame splicing involving exon 4 that is predicted to cause an absent or non-functional protein product (PMID: 11385711, 20215541, 22505045). This variant has been reported to be loss-of-function in a haploid cell proliferation assay (PMID: 30209399). This variant has been reported in over 20 individuals and families affected with breast and ovarian cancer (PMID: 10508480, 12955716, 18159056, 19123044, 20104584, 23683081, 25716084, 28664506, 28985766, 29088781, 30606148, 33471991; Leiden Open Variation Database DB-ID BRCA1_000059), and has been identified in 129 families among the CIMBA participants (PMID: 29446198). Haplotype analysis suggests that this variant is a founder mutation originating in Northern Spain (PMID: 11385711, 12014998). This variant has been reported to segregate with disease with a likelihood ratio for pathogenicity of 383.2656 (PMID: 31131967). This variant has been identified in 1/249744 chromosomes in the general population by the Genome Aggregation Database (gnomAD). Loss of BRCA1 function is a known mechanism of disease. Based on the available evidence, this variant is classified as Pathogenic.

This study involves interpretation of variants in research participants for the purpose of population health screening. Participant phenotype was not available at the time of variant classification. Additional details can be found in publication PMID: 35346344, PMCID: PMC8962531

Illumina Laboratory Services, Illumina
Classification: Pathogenic for Breast-ovarian cancer, familial, susceptibility to, 1. Last evaluated: 2024-03-19. Review status: criteria provided, single submitter. Criteria: ICSLVariantClassificationCriteria RUGD 01 April 2020. Collection method: clinical testing. Allele origin: unknown. Not counted in ClinVar's aggregate classification.
Comment: The BRCA1 c.211A>G p.(Arg71Gly) missense variant has been identified in individuals with hereditary breast and ovarian cancer (HBOC) and has been shown to segregate with disease in families (PMID: 19123044; 29446198; 36329109). This variant is not observed at a significant frequency in version 2.1.1 or version 4.0.0 of the Genome Aggregation Database. The p.(Arg71Gly) variant is localized at position -2 of the exon 5 donor splice site. Functional studies demonstrated a significant increase of a shorter transcript in patient cells as compared with controls (PMID: 19123044). A saturation genome editing assay also confirmed that this variant acts as a loss of function variant (PMID: 30209399). Additionally, different amino acid substitutions at the same codon [p.(Arg71Lys) and p.(Arg71Thr)] have been reported in individuals with HBOC (ClinVar). Multiple lines of computational evidence suggest the p.(Arg71Gly) variant may impact the gene or gene product. This variant has been classified as pathogenic by an expert panel in ClinVar. Based on the available evidence, the c.211A>G p.(Arg71Gly) variant is classified as pathogenic for hereditary breast and ovarian cancer.

Baylor Genetics
Classification: Pathogenic for Breast-ovarian cancer, familial, susceptibility to, 1. Last evaluated: 2023-12-22. Review status: criteria provided, single submitter. Criteria: ACMG Guidelines, 2015. Collection method: clinical testing. Allele origin: unknown. Not counted in ClinVar's aggregate classification.

Institute for Genomic Medicine (IGM) Clinical Laboratory, Nationwide Children's Hospital
Classification: Pathogenic for Hereditary cancer-predisposing syndrome. Last evaluated: 2023-10-26. Review status: criteria provided, single submitter. Criteria: ACMG Guidelines, 2015. Collection method: clinical testing. Allele origin: germline. Not counted in ClinVar's aggregate classification.
Comment: This variant is predicted to result in loss of function through nonsense-mediated decay of the encoded transcript or premature truncation of the encoded protein in a gene in which loss of function is a known mechanism of disease (ACMG/AMP: PVS1; PMIDs:11385711, 20215541). Well-established functional studies have demonstrated this variant to have a damaging effect on protein function or splicing (ACMG/AMP: PS3; PMIDs:11385711, 20215541, 21735045, 22505045). This variant has been reported at an elevated frequency in affected individuals/in multiple affected individuals in the literature (ACMG/AMP: PS4; PMIDs:11385711, 10508480, 27836010, 30606148, 25716084). This variant is absent from or present at an exceedingly low frequency in gnomAD, a large-scale control population database (ACMG/AMP: PM2).

Quest Diagnostics Nichols Institute San Juan Capistrano
Classification: Pathogenic. Last evaluated: 2023-09-18. Review status: criteria provided, single submitter. Criteria: Quest Diagnostics criteria. Collection method: clinical testing. Allele origin: unknown. Not counted in ClinVar's aggregate classification.
Comment: The BRCA1 c.211A>G (p.Arg71Gly) variant has been reported in the published literature in multiple individuals with breast cancer and it is described as a founder mutation in the Spanish population (PMIDs: 11385711 (2001) and 20215541 (2010)). In a large-scale breast cancer association study, the variant was observed among the breast cancer cases and not in healthy individuals (PMID: 33471991 (2021), see also LOVD). Published functional studies have shown that this variant has a deleterious effect on BRCA1 mRNA splicing (PMIDs: 11385711 (2001), 20215541 (2010), 21735045 (2012), and 22505045 (2012)). In addition, this variant has been characterized as being pathogenic in a multifactorial likelihood study (PMID: 31131967 (2019)). The frequency of this variant in the general population, 0.000004 (1/249744 chromosomes (Genome Aggregation Database)), is uninformative in the assessment of its pathogenicity. Based on the available information, this variant is classified as pathogenic.

Revvity Omics, Revvity
Classification: Pathogenic. Last evaluated: 2023-02-17. Review status: criteria provided, single submitter. Criteria: ACMG Guidelines, 2015. Collection method: clinical testing. Allele origin: germline. Not counted in ClinVar's aggregate classification.

Dasa
Classification: Pathogenic for Breast-ovarian cancer, familial, susceptibility to, 1. Last evaluated: 2022-03-05. Review status: criteria provided, single submitter. Criteria: ACMG Guidelines, 2015. Collection method: clinical testing. Allele origin: germline. Affected: yes. Observed: 2 variant alleles. Not counted in ClinVar's aggregate classification.
Comment: Well-established in vitro or in vivo functional studies supportive of a damaging effect on the gene or gene product (PMID 30209399; 11385711; 19123044). - PS3_moderate.The c.211A>G;p.(Arg71Gly) missense variant has been observed in affected individual(s) and ClinVar contains an entry for this variant (ClinVar ID: 17693; PMID: 12014998) - PS4. The variant is present at low allele frequencies population databases (rs80357382 – gnomAD 0.00004004%; ABraOM no frequency) - PM2_supporting. Pathogenic missense variant in this residue have been reported (ClinVar ID:185705; ClinVar ID:54471; ClinVar ID :267512) - PM5. The variant co-segregated with disease in multiple affected family members (PMID: 12014998; 20215541) - PP1. In summary, the currently available evidence indicates that the variant is pathogenic.